The following is an entry in ClinVar:

NM_007294.4(BRCA1):c.134+10A>T

Gene: BRCA1 (BRCA1 DNA repair associated; minus strand). Cytogenetic location: 17q21.31.
Variant type: single nucleotide variant.
Coding change: c.134+10A>T on transcript NM_007294.4 (MANE Select); 10 bases into the intron after coding-DNA position 134, A replaced by T.
Molecular consequence: intron variant.
Genome position (GRCh38, 1-based): chr17:43,115,716, T>A on the plus strand (A>T on the coding strand, the complement: BRCA1 is on the minus strand). VCF-style: chr17-43115716-T-A. GRCh37 (hg19) VCF-style: chr17-41267733-T-A.
Other names: c.-55+10A>T (NM_001408509.1, NM_001408508.1, NM_001408491.1 and 52 more transcripts); c.134+10A>T (NM_001408408.1, NM_001407647.1, NM_001408446.1 and 191 more transcripts); c.-171+10A>T (NM_001408492.1, NM_001407889.1, NM_001407900.1); c.-124+10A>T (NM_001408468.1, NM_001407842.1, NM_001407749.1 and 13 more transcripts); c.-128+10A>T (NM_001407695.1, NM_001408465.1); c.-8+10A>T (NM_001407846.1, NM_001408503.1, NM_001407943.1 and 47 more transcripts); c.-8+5842A>T (NM_001407726.1, NM_001407751.1); c.-219+9555A>T (NM_001407966.1); and 10 more.
Identifiers: ClinVar variation 865160 (VCV000865160.3), dbSNP rs2055240559, ClinGen allele CA916080983.

Conditions:
Breast-ovarian cancer, familial, susceptibility to, 1 (BROVCA1). Also called: BRCA1 Hereditary Breast and Ovarian Cancer; OVARIAN CANCER, SUSCEPTIBILITY TO. Identifiers: Orphanet 145, MedGen C2676676, MONDO:0011450, OMIM 604370. Disease mechanism: loss of function.

Submission:

Brotman Baty Institute, University of Washington
No classification provided (evidence only). Condition: Breast-ovarian cancer, familial 1. Review status: no classification provided. Collection method: in vitro. Allele origin: not applicable. Functional consequence: functionally_normal.
ClinVar note: "not provided" was previously submitted as the classification for the variant. However, the classification appeared to be based only on an observation of functional data so it was converted to no classification on 2025-07-30.